The following is an entry in ClinVar:

NM_001813.3(CENPE):c.5271_5285del (p.Leu1758_Asn1762del)

Gene: CENPE (centromere protein E; minus strand). Cytogenetic location: 4q24.
Variant type: Deletion.
Coding change: c.5271_5285del on transcript NM_001813.3 (MANE Select); coding-DNA positions 5271 to 5285, 15 bases deleted (CTTAGAACACTCAAA).
Protein change: p.Leu1758_Asn1762del.
Molecular consequence: inframe deletion.
Genome position (GRCh38, 1-based): chr4:103,143,267-103,143,281, TTTGAGTGTTCTAAG deleted on the plus strand (CTTAGAACACTCAAA on the coding strand, the reverse complement: CENPE is on the minus strand); deleting any 15 consecutive bases within chr4:103,143,267-103,143,282 gives the same sequence; the c. name uses the placement nearest the transcript's 3' end. VCF-style (leftmost placement, unchanged base first): chr4-103143266-ATTTGAGTGTTCTAAG-A. GRCh37 (hg19) VCF-style: chr4-104064423-ATTTGAGTGTTCTAAG-A.
Other names: c.5196_5210del, p.Leu1733_Asn1737del (NM_001286734.2).
Identifiers: ClinVar variation 1314706 (VCV001314706.2), dbSNP rs572186015, ClinGen allele CA3029647.
Genomic context (GRCh38, chr4:103,143,266, plus strand): 5'-ATTCAAACTCTCAGTAACTGAGATAACTTAAAAATAAAATACCTGTGCTTTTAAGGCATC[ATTTGAGTGTTCTAAG>A]TCCTTTTGCATATTTGATATTTCATTTGTTTTCTCTGAAACAATCCCTCTTAGTTTATCA-3'

ClinVar aggregate classification (germline): Uncertain significance (1 of 4 stars; one submission).

Submission:

GeneDx
Classification: Uncertain significance. Last evaluated: 2021-04-20. Review status: criteria provided, single submitter. Criteria: GeneDx Variant Classification Process June 2021. Collection method: clinical testing. Allele origin: germline. Affected: yes.
Comment: In-frame deletion/insertion of 5 amino acids in a non-repeat region; In silico analysis supports a deleterious effect on protein structure/function; Has not been previously published as pathogenic or benign to our knowledge